The following is an entry in ClinVar:

ClinVar aggregate classification (germline): Likely pathogenic (1 of 4 stars; one submission).

Conditions:
Autosomal dominant nonsyndromic hearing loss 10. Identifiers: Orphanet 90635, MedGen C1832476, MONDO:0011031, OMIM 601316.

Submission:

Institute of Rare Diseases, West China Hospital, Sichuan University
Classification: Likely pathogenic for Autosomal dominant nonsyndromic hearing loss 10. Last evaluated: 2025-01-09. Review status: criteria provided, single submitter. Criteria: ClinGen HL ACMG Specifications v1. Collection method: research. Allele origin: germline. Affected: yes.
Comment: PVS1;PM2_Supporting

NM_004100.5(EYA4):c.310_314del (p.Asn104fs)

Genes: EYA4-AS2 (EYA4 antisense RNA 2; minus strand), EYA4 (EYA transcriptional coactivator and phosphatase 4; plus strand). Cytogenetic location: 6q23.2.
Variant type: Deletion.
Coding change: c.310_314del on transcript NM_004100.5 (MANE Select); coding-DNA positions 310 to 314, 5 bases deleted (AACAG; older notation c.310_314delAACAG).
Protein change: p.Asn104fs; shifts the reading frame from asparagine 104.
Molecular consequence: frameshift variant. On other transcripts: intron variant (2).
Genome position (GRCh38, 1-based): chr6:133,456,588-133,456,592, AACAG deleted; deleting any 5 consecutive bases within chr6:133,456,587-133,456,592 gives the same sequence; the c. name uses the placement nearest the transcript's 3' end. VCF-style (leftmost placement, unchanged base first): chr6-133456586-TGAACA-T. GRCh37 (hg19) VCF-style: chr6-133777724-TGAACA-T.
Other names: c.310_314del, p.Asn104fs (NM_001301013.2, NM_172105.4); c.241_245del, p.Asn81fs (NM_001370458.1, NM_172103.4); c.209-4526_209-4522del (NM_001370459.1, NM_001301012.2); short protein forms N104fs, N81fs.
Identifiers: ClinVar variation 3601121 (VCV003601121.1).